The following is an entry in ClinVar:

ClinVar aggregate classification (germline): Uncertain significance (1 of 4 stars; one submission).

Conditions:
RASopathy. Also called: rasopathies; Noonan spectrum disorder. Identifiers: Orphanet 536391, MedGen C5555857, MONDO:0021060.

Submission:

Labcorp Genetics (formerly Invitae), Labcorp
Classification: Uncertain significance for RASopathy. Last evaluated: 2025-10-13. Review status: criteria provided, single submitter. Criteria: Invitae Variant Classification Sherloc (09022015). Collection method: clinical testing. Allele origin: germline.
Comment: This sequence change replaces histidine, which is basic and polar, with aspartic acid, which is acidic and polar, at codon 1331 of the SOS1 protein (p.His1331Asp). This variant is not present in population databases (gnomAD no frequency). This variant has not been reported in the literature in individuals affected with SOS1-related conditions. Invitae Evidence Modeling of protein sequence and biophysical properties (such as structural, functional, and spatial information, amino acid conservation, physicochemical variation, residue mobility, and thermodynamic stability) indicates that this missense variant is not expected to disrupt SOS1 protein function with a negative predictive value of 95%. In summary, the available evidence is currently insufficient to determine the role of this variant in disease. Therefore, it has been classified as a Variant of Uncertain Significance.

NM_005633.4(SOS1):c.3991C>G (p.His1331Asp)

Gene: SOS1 (SOS Ras/Rac guanine nucleotide exchange factor 1; minus strand). Cytogenetic location: 2p22.1.
Variant type: single nucleotide variant.
Coding change: c.3991C>G on transcript NM_005633.4 (MANE Select); coding-DNA position 3991, C replaced by G.
Protein change: p.His1331Asp; replaces histidine 1331 with aspartic acid.
Molecular consequence: missense variant.
Genome position (GRCh38, 1-based): chr2:38,985,835, G>C on the plus strand (C>G on the coding strand, the complement: SOS1 is on the minus strand). VCF-style: chr2-38985835-G-C. GRCh37 (hg19) VCF-style: chr2-39212976-G-C.
Other names: c.3970C>G, p.His1324Asp (NM_001382394.1); c.3946C>G, p.His1316Asp (NM_001382395.1); short protein forms H1316D, H1324D, H1331D.
Identifiers: ClinVar variation 4800173 (VCV004800173.1).